The following is an entry in ClinVar:

NM_001009944.3(PKD1):c.7704-1G>A

Gene: PKD1 (polycystin 1, transient receptor potential channel interacting; minus strand). Cytogenetic location: 16p13.3.
Variant type: single nucleotide variant.
Coding change: c.7704-1G>A on transcript NM_001009944.3 (MANE Select); the canonical splice acceptor site of the intron before coding-DNA position 7704, G replaced by A.
Molecular consequence: splice acceptor variant.
Genome position (GRCh38, 1-based): chr16:2,106,025, C>T on the plus strand (G>A on the coding strand, the complement: PKD1 is on the minus strand). VCF-style: chr16-2106025-C-T. GRCh37 (hg19) VCF-style: chr16-2156026-C-T.
Other names: c.7704-1G>A (NM_000296.4).
Identifiers: ClinVar variation 2506236 (VCV002506236.2), dbSNP rs2544776487, ClinGen allele CA394368144.

ClinVar aggregate classification (germline): Likely pathogenic (1 of 4 stars; one submission).

Conditions:
Polycystic kidney disease, adult type (PKD1). Also called: Polycystic Kidney Disease 1, Autosomal Dominant; Polycystic kidney disease 1; Polycystic kidney disease 1, severe; Polycystic Kidney, Autosomal Dominant; POLYCYSTIC KIDNEY DISEASE, ADULT, TYPE I; POLYCYSTIC KIDNEY DISEASE 1 WITH OR WITHOUT POLYCYSTIC LIVER DISEASE. Identifiers: MedGen C3149841, MONDO:0008263, OMIM 173900.

Submission:

Women's Health and Genetics/Laboratory Corporation of America, LabCorp
Classification: Likely pathogenic for Polycystic kidney disease, adult type. Last evaluated: 2025-05-01. Review status: criteria provided, single submitter. Criteria: LabCorp Variant Classification Summary - May 2015. Collection method: clinical testing. Allele origin: germline.
Comment: Variant summary: PKD1 c.7704-1G>A is located in a canonical splice-site and is predicted to affect mRNA splicing resulting in a significantly altered protein due to either exon skipping, shortening, or inclusion of intronic material. Variants that disrupt the consensus splice site are a relatively common cause of aberrant splicing and loss of PKD1 function. Several computational tools predict a significant impact on normal splicing: Four predict the variant abolishes a 3 acceptor site. However, these predictions have yet to be confirmed by functional studies. The variant was absent in 1606416 control chromosomes. To our knowledge, no occurrence of c.7704-1G>A in individuals affected with Polycystic Kidney Disease 1 and no experimental evidence demonstrating its impact on protein function have been reported. ClinVar contains an entry for this variant (Variation ID: 2506236). Based on the evidence outlined above, the variant was classified as likely pathogenic.